The following is an entry in ClinVar:

NM_001358235.2(DCHS2):c.8273G>A (p.Ser2758Asn)

Genes: DCHS2-AS1 (DCHS2 antisense RNA 1; plus strand), DCHS2 (dachsous cadherin-related 2; minus strand). Cytogenetic location: 4q31.3.
Variant type: single nucleotide variant.
Coding change: c.8273G>A on transcript NM_001358235.2 (MANE Select); coding-DNA position 8273, G replaced by A.
Protein change: p.Ser2758Asn; replaces serine 2758 with asparagine.
Molecular consequence: missense variant.
Genome position (GRCh38, 1-based): chr4:154,236,379, C>T on the plus strand (G>A on the coding strand, the complement: DCHS2 is on the minus strand). VCF-style: chr4-154236379-C-T. GRCh37 (hg19) VCF-style: chr4-155157531-C-T.
Other names: short protein forms S2758N.
Identifiers: ClinVar variation 3055607 (VCV003055607.2), dbSNP rs6824133, ClinGen allele CA3111950.

ClinVar aggregate classification (germline): Benign (0 of 4 stars; one submission).

Conditions:
DCHS2-related disorder. Also called: DCHS2-related condition.

Allele frequency attached by ClinVar (database versions not stated): ExAC 0.01277; gnomAD 0.04002; 1000 Genomes Project 0.04373; ESP Exome Variant Server 0.04490; TOPMed 0.04545; 1000 Genomes Project 30x 0.04716.
gnomAD v4.1: 12,678 of 1,614,012 alleles (0.79%); highest among the groups gnomAD compares: African/African-American, 14%; 778 homozygotes.

Submission:

PreventionGenetics, part of Exact Sciences
Classification: Benign for DCHS2-related condition. Last evaluated: 2019-03-14. Review status: no assertion criteria provided. Collection method: clinical testing. Allele origin: germline.
Comment: This variant is classified as benign based on ACMG/AMP sequence variant interpretation guidelines (Richards et al. 2015 PMID: 25741868, with internal and published modifications).